The following is an entry in ClinVar:

ClinVar aggregate classification (germline): Uncertain significance (1 of 4 stars; one submission).

Allele frequency attached by ClinVar (database versions not stated): TOPMed below 0.00001.

Submission:

Labcorp Genetics (formerly Invitae), Labcorp
Classification: Uncertain significance. Last evaluated: 2021-12-03. Review status: criteria provided, single submitter. Criteria: Invitae Variant Classification Sherloc (09022015). Collection method: clinical testing. Allele origin: germline.
Comment: This variant has not been reported in the literature in individuals affected with TMTC3-related conditions. In summary, the available evidence is currently insufficient to determine the role of this variant in disease. Therefore, it has been classified as a Variant of Uncertain Significance. Algorithms developed to predict the effect of missense changes on protein structure and function (SIFT, PolyPhen-2, Align-GVGD) all suggest that this variant is likely to be disruptive. This variant is not present in population databases (gnomAD no frequency). This sequence change replaces asparagine, which is neutral and polar, with tyrosine, which is neutral and polar, at codon 536 of the TMTC3 protein (p.Asn536Tyr).

NM_181783.4(TMTC3):c.1606A>T (p.Asn536Tyr)

Gene: TMTC3 (transmembrane O-mannosyltransferase targeting cadherins 3; plus strand). Cytogenetic location: 12q21.32.
Variant type: single nucleotide variant.
Coding change: c.1606A>T on transcript NM_181783.4 (MANE Select); coding-DNA position 1606, A replaced by T.
Protein change: p.Asn536Tyr; replaces asparagine 536 with tyrosine.
Molecular consequence: missense variant. On other transcripts: non-coding transcript variant (1).
Genome position (GRCh38, 1-based): chr12:88,190,522, A>T. VCF-style: chr12-88190522-A-T. GRCh37 (hg19) VCF-style: chr12-88584299-A-T.
Other names: c.1426A>T, p.Asn476Tyr (NM_001366574.1); c.1387A>T, p.Asn463Tyr (NM_001366579.1); c.913A>T, p.Asn305Tyr (NM_001366583.1); c.1339A>T, p.Asn447Tyr (NM_001366580.1); short protein forms N305Y, N447Y, N463Y, N476Y, N536Y.
Identifiers: ClinVar variation 1482736 (VCV001482736.6), dbSNP rs2041430162, ClinGen allele CA386117002.